The following is an entry in ClinVar:

ClinVar aggregate classification (germline): Benign/Likely benign. Review status: criteria provided, multiple submitters, no conflicts (2 of 4 stars). 5 submissions from 5 submitters: Benign (4); Likely benign (1). Last evaluated 2026-02-04.

Conditions:
Dermatofibrosis lenticularis disseminata (BOS). Also called: OSTEOPATHIA CONDENSANS DISSEMINATA; DERMATOFIBROSIS LENTICULARIS DISSEMINATA WITH OSTEOPOIKILOSIS; DERMATOOSTEOPOIKILOSIS. Identifiers: Orphanet 1306, MedGen C0265514, MONDO:0008157, OMIM 166700.

Allele frequency attached by ClinVar (database versions not stated): 1000 Genomes Project 30x 0.02639; 1000 Genomes Project 0.02676; TOPMed 0.05663; gnomAD 0.06038 and 0.06186; ExAC 0.06475; gnomAD exomes 0.06479 and 0.07545; ESP Exome Variant Server 0.06863.
gnomAD v4.1: 116,356 of 1,574,372 alleles (7.4%); highest among the groups gnomAD compares: Non-Finnish European, 8.5%; 4,919 homozygotes.

Submissions (5):

Labcorp Genetics (formerly Invitae), Labcorp
Classification: Benign. Last evaluated: 2026-02-04. Review status: criteria provided, single submitter. Criteria: Invitae Variant Classification Sherloc (09022015). Collection method: clinical testing. Allele origin: germline.

Blueprint Genetics
Classification: Likely benign. Last evaluated: 2024-11-27. Review status: criteria provided, single submitter. Criteria: ACMG Guidelines, 2015. Collection method: clinical testing. Allele origin: germline.

GeneDx
Classification: Benign. Last evaluated: 2021-06-10. Review status: criteria provided, single submitter. Criteria: GeneDx Variant Classification Process June 2021. Collection method: clinical testing. Allele origin: germline. Affected: yes.

Illumina Laboratory Services, Illumina
Classification: Benign for Dermatofibrosis lenticularis disseminata. Last evaluated: 2018-01-13. Review status: criteria provided, single submitter. Criteria: ICSL Variant Classification Criteria 13 December 2019. Collection method: clinical testing. Allele origin: germline.
Comment: This variant was observed in the ICSL laboratory as part of a predisposition screen in an ostensibly healthy population. It had not been previously curated by ICSL or reported in the Human Gene Mutation Database (HGMD: prior to June 1st, 2018), and was therefore a candidate for classification through an automated scoring system. Utilizing variant allele frequency, disease prevalence and penetrance estimates, and inheritance mode, an automated score was calculated to assess if this variant is too frequent to cause the disease. Based on the score and internal cut-off values, a variant classified as benign is not then subjected to further curation. The score for this variant resulted in a classification of benign for this disease.

Breakthrough Genomics
Classification: Benign. Review status: criteria provided, single submitter. Criteria: ACMG Guidelines, 2015. Collection method: not provided. Allele origin: germline. Inheritance: Autosomal dominant inheritance. Affected: yes.

NM_014319.5(LEMD3):c.1523-12C>T

Gene: LEMD3 (LEM domain containing 3; plus strand). Cytogenetic location: 12q14.3.
Variant type: single nucleotide variant.
Coding change: c.1523-12C>T on transcript NM_014319.5 (MANE Select); 12 bases into the intron before coding-DNA position 1523, C replaced by T.
Molecular consequence: intron variant.
Genome position (GRCh38, 1-based): chr12:65,210,914, C>T. VCF-style: chr12-65210914-C-T. GRCh37 (hg19) VCF-style: chr12-65604694-C-T.
Other names: c.1523-15C>T (NM_001167614.2).
Identifiers: ClinVar variation 310234 (VCV000310234.15), dbSNP rs11175678, ClinGen allele CA6670929.
Genomic context (GRCh38, chr12:65,210,914, plus strand): 5'-TCAGAGAGTTTGTTTGGGGGATTTTAATTCGTAAGTGATGCTAATACTTGTCTTTTTTTC[C>T]TTCCTTGATAGTAGAAAACCCCTTTGGTGAAACATTTGGAAAAATACAAGTAAGTAAACG-3'